The following is an entry in ClinVar:

NM_001276345.2(TNNT2):c.294T>G (p.Asp98Glu)

Gene: TNNT2 (troponin T2, cardiac type; minus strand). Cytogenetic location: 1q32.1.
Variant type: single nucleotide variant.
Coding change: c.294T>G on transcript NM_001276345.2 (MANE Select); coding-DNA position 294, T replaced by G.
Protein change: p.Asp98Glu; replaces aspartic acid 98 with glutamic acid.
Molecular consequence: missense variant.
Genome position (GRCh38, 1-based): chr1:201,365,610, A>C on the plus strand (T>G on the coding strand, the complement: TNNT2 is on the minus strand). VCF-style: chr1-201365610-A-C. GRCh37 (hg19) VCF-style: chr1-201334738-A-C.
Other names: c.294T>G, p.Asp98Glu (NM_000364.4); c.264T>G, p.Asp88Glu (NM_001001430.3, NM_001001431.3, NM_001276347.2); c.249T>G, p.Asp83Glu (NM_001001432.3); c.291T>G, p.Asp97Glu (NM_001276346.2); short protein forms D88E, D98E, D97E, D83E.
Identifiers: ClinVar variation 43625 (VCV000043625.6), dbSNP rs397516454, ClinGen allele CA004247.

ClinVar aggregate classification (germline): Pathogenic/Likely pathogenic. Review status: criteria provided, multiple submitters, no conflicts (2 of 4 stars). 2 submissions from 2 submitters: Pathogenic (1); Likely pathogenic (1). Last evaluated 2024-01-28.

Conditions:
Primary dilated cardiomyopathy (DCM). Also called: Dilated Cardiomyopathy. Identifiers: Orphanet 217604, MedGen C0007193, MeSH D002311, MONDO:0005021, HP:0001644. Inheritance: Various modes of inheritance.

Submissions (2):

GeneDx
Classification: Pathogenic. Last evaluated: 2024-01-28. Review status: criteria provided, single submitter. Criteria: GeneDx Variant Classification Process June 2021. Collection method: clinical testing. Allele origin: germline. Affected: yes.
Comment: Not observed at significant frequency in large population cohorts (gnomAD); In silico analysis supports that this missense variant has a deleterious effect on protein structure/function; This variant is associated with the following publications: (PMID: 33025817, 32458740)

Laboratory for Molecular Medicine, Mass General Brigham Personalized Medicine
Classification: Likely pathogenic for Primary dilated cardiomyopathy. Last evaluated: 2015-06-04. Review status: criteria provided, single submitter. Criteria: LMM Criteria. Collection method: clinical testing. Allele origin: germline. Inheritance: Autosomal dominant inheritance. Observed: 1 variant allele.
Comment: This variant is locate d in the last base of the exon, which is part of the 5' splice region. Computati onal tools do not suggest an impact to splicing. However, this information is no t predictive enough to rule out pathogenicity. Aspartic acid (Asp) at position 8 8 is highly conserved in mammals and across evolutionarily distant species and t he change to glutamic acid (Glu) was predicted to be pathogenic using a computat ional tool clinically validated by our laboratory. This tool's pathogenic predic tion is estimated to be correct 94% of the time (Jordan 2011). In summary, altho ugh additional studies are required to fully establish its clinical significance , the p.Asp88Glu variant is likely pathogenic.